The following is an entry in ClinVar:

ClinVar aggregate classification (germline): Uncertain significance. Review status: criteria provided, multiple submitters, no conflicts (2 of 4 stars). 2 submissions from 2 submitters: Uncertain significance (2). Last evaluated 2025-09-22.

Conditions:
Hereditary cancer-predisposing syndrome. Also called: Neoplastic Syndromes, Hereditary; Hereditary Cancer Syndrome; Tumor predisposition; Hereditary neoplastic syndrome. Identifiers: Orphanet 140162, MedGen C0027672, MeSH D009386, MONDO:0015356.

Allele frequency attached by ClinVar (database versions not stated): gnomAD 0.00001; TOPMed 0.00001.
gnomAD v4.1: 1 of 1,614,080 alleles (0.000062%); highest among the groups gnomAD compares: African/African-American, 0.0013%; no homozygotes.

Submissions (2):

Labcorp Genetics (formerly Invitae), Labcorp
Classification: Uncertain significance. Last evaluated: 2025-09-22. Review status: criteria provided, single submitter. Criteria: Invitae Variant Classification Sherloc (09022015). Collection method: clinical testing. Allele origin: germline.
Comment: This sequence change replaces asparagine, which is neutral and polar, with histidine, which is basic and polar, at codon 882 of the POLE protein (p.Asn882His). This variant is not present in population databases (gnomAD no frequency). This variant has not been reported in the literature in individuals affected with POLE-related conditions. ClinVar contains an entry for this variant (Variation ID: 581874). Invitae Evidence Modeling of protein sequence and biophysical properties (such as structural, functional, and spatial information, amino acid conservation, physicochemical variation, residue mobility, and thermodynamic stability) indicates that this missense variant is not expected to disrupt POLE protein function with a negative predictive value of 80%. In summary, the available evidence is currently insufficient to determine the role of this variant in disease. Therefore, it has been classified as a Variant of Uncertain Significance.

Ambry Genetics
Classification: Uncertain significance for Hereditary cancer-predisposing syndrome. Last evaluated: 2025-05-24. Review status: criteria provided, single submitter. Criteria: Ambry Variant Classification Scheme 2023. Collection method: clinical testing. Allele origin: germline.
Comment: The p.N882H variant (also known as c.2644A>C), located in coding exon 23 of the POLE gene, results from an A to C substitution at nucleotide position 2644. The asparagine at codon 882 is replaced by histidine, an amino acid with similar properties. This amino acid position is conserved. In addition, this alteration is predicted to be tolerated by in silico analysis. Since supporting evidence is limited at this time, the clinical significance of this alteration remains unclear.

NM_006231.4(POLE):c.2644A>C (p.Asn882His)

Gene: POLE (DNA polymerase epsilon, catalytic subunit; minus strand). Cytogenetic location: 12q24.33.
Variant type: single nucleotide variant.
Coding change: c.2644A>C on transcript NM_006231.4 (MANE Select); coding-DNA position 2644, A replaced by C.
Protein change: p.Asn882His; replaces asparagine 882 with histidine.
Molecular consequence: missense variant.
Genome position (GRCh38, 1-based): chr12:132,664,066, T>G on the plus strand (A>C on the coding strand, the complement: POLE is on the minus strand). VCF-style: chr12-132664066-T-G. GRCh37 (hg19) VCF-style: chr12-133240652-T-G.
Other names: short protein forms N882H.
Identifiers: ClinVar variation 581874 (VCV000581874.15), dbSNP rs1455015315, ClinGen allele CA387395453.